The following is an entry in ClinVar:

ClinVar aggregate classification (germline): Uncertain significance. Review status: criteria provided, multiple submitters, no conflicts (2 of 4 stars). 2 submissions from 2 submitters: Uncertain significance (2). Last evaluated 2025-03-24.

Conditions:
Osteogenesis imperfecta type 8 (OI8). Identifiers: MedGen C1970458, MONDO:0012581, OMIM 610915.

Allele frequency attached by ClinVar (database versions not stated): gnomAD 0.00001; gnomAD exomes 0.00001 and 0.00003; TOPMed 0.00001.
gnomAD v4.1: 38 of 1,614,052 alleles (0.0024%); highest among the groups gnomAD compares: Admixed American, 0.0033%; no homozygotes.

Submissions (2):

GeneDx
Classification: Uncertain significance. Last evaluated: 2025-03-24. Review status: criteria provided, single submitter. Criteria: GeneDx Variant Classification Process June 2021. Collection method: clinical testing. Allele origin: germline. Affected: yes.
Comment: In silico analysis supports that this missense variant has a deleterious effect on protein structure/function; Has not been previously published as pathogenic or benign to our knowledge

Labcorp Genetics (formerly Invitae), Labcorp
Classification: Uncertain significance for Osteogenesis imperfecta type 8. Last evaluated: 2022-07-21. Review status: criteria provided, single submitter. Criteria: Invitae Variant Classification Sherloc (09022015). Collection method: clinical testing. Allele origin: germline.
Comment: This sequence change replaces glutamine, which is neutral and polar, with proline, which is neutral and non-polar, at codon 233 of the P3H1 protein (p.Gln233Pro). This variant is present in population databases (no rsID available, gnomAD 0.006%). This variant has not been reported in the literature in individuals affected with P3H1-related conditions. ClinVar contains an entry for this variant (Variation ID: 647677). Algorithms developed to predict the effect of missense changes on protein structure and function (SIFT, PolyPhen-2, Align-GVGD) all suggest that this variant is likely to be tolerated. In summary, the available evidence is currently insufficient to determine the role of this variant in disease. Therefore, it has been classified as a Variant of Uncertain Significance.

NM_022356.4(P3H1):c.698A>C (p.Gln233Pro)

Gene: P3H1 (prolyl 3-hydroxylase 1; minus strand). Cytogenetic location: 1p34.2.
Variant type: single nucleotide variant.
Coding change: c.698A>C on transcript NM_022356.4 (MANE Select); coding-DNA position 698, A replaced by C.
Protein change: p.Gln233Pro; replaces glutamine 233 with proline.
Molecular consequence: missense variant.
Genome position (GRCh38, 1-based): chr1:42,759,311, T>G on the plus strand (A>C on the coding strand, the complement: P3H1 is on the minus strand). VCF-style: chr1-42759311-T-G. GRCh37 (hg19) VCF-style: chr1-43224982-T-G.
Other names: c.698A>C, p.Gln233Pro (NM_001146289.2, NM_001243246.2); short protein forms Q233P.
Identifiers: ClinVar variation 647677 (VCV000647677.7), dbSNP rs903215732, ClinGen allele CA21245451.